The following is an entry in ClinVar:

NM_144672.4(OTOA):c.2118G>A (p.Trp706Ter)

Gene: OTOA (otoancorin). Cytogenetic location: 16p12.2.
Variant type: single nucleotide variant.
Coding change: c.2118G>A on transcript NM_144672.4 (MANE Select); coding-DNA position 2118, G replaced by A.
Protein change: p.Trp706Ter; replaces tryptophan 706 with a stop codon.
Molecular consequence: nonsense.
Genome position (GRCh38, 1-based): chr16:21,728,342, G>A. VCF-style: chr16-21728342-G-A. GRCh37 (hg19) VCF-style: chr16-21739663-G-A.
Other names: c.1881G>A, p.Trp627Ter (NM_001161683.2); c.1146G>A, p.Trp382Ter (NM_170664.3); short protein forms W627*, W382*, W706*.
Identifiers: ClinVar variation 5005546 (VCV005005546.2).

ClinVar aggregate classification (germline): Likely pathogenic (1 of 4 stars; one submission).

Conditions:
Autosomal recessive nonsyndromic hearing loss 22. Identifiers: Orphanet 90636, MedGen C1846896, MONDO:0011762, OMIM 607039.

Submission:

Juno Genomics, Hangzhou Juno Genomics, Inc
Classification: Likely pathogenic for Autosomal recessive nonsyndromic hearing loss 22. Review status: criteria provided, single submitter. Criteria: ACMG Guidelines, 2015. Collection method: clinical testing. Allele origin: germline.
Comment: Null variant in a gene where loss of function (LOF) is a known mechanism of disease.;Absent from controls (or at extremely low frequency if recessive) in Genome Aggregation Database.